The following is an entry in ClinVar:

NM_002471.4(MYH6):c.1962+2T>C

Gene: MYH6 (myosin heavy chain 6; minus strand). Cytogenetic location: 14q11.2.
Variant type: single nucleotide variant.
Coding change: c.1962+2T>C on transcript NM_002471.4 (MANE Select); the canonical splice donor site of the intron after coding-DNA position 1962, T replaced by C.
Molecular consequence: splice donor variant.
Genome position (GRCh38, 1-based): chr14:23,397,541, A>G on the plus strand (T>C on the coding strand, the complement: MYH6 is on the minus strand). VCF-style: chr14-23397541-A-G. GRCh37 (hg19) VCF-style: chr14-23866750-A-G.
Identifiers: ClinVar variation 2574005 (VCV002574005.3), dbSNP rs1404787586, ClinGen allele CA389019614.

ClinVar aggregate classification (germline): Likely pathogenic (1 of 4 stars; one submission).

Conditions:
Long QT syndrome (LQTS). Identifiers: MedGen C0023976, MeSH D008133, MONDO:0002442. Disease mechanism: loss of function. Inheritance: Various modes of inheritance.

Allele frequency attached by ClinVar (database versions not stated): TOPMed below 0.00001.
gnomAD v4.1: 1 of 1,613,922 alleles (0.000062%); no homozygotes.

Submission:

Dept of Medical Biology, Uskudar University
Classification: Likely pathogenic for Long QT syndrome. Last evaluated: 2024-01-08. Review status: criteria provided, single submitter. Criteria: Dept of Medical Biology Variant Classification. Collection method: research. Allele origin: paternal. Affected: yes. Observed: 1 variant allele.
Comment: Criteria: PVS1_Strong, PM2